The following is an entry in ClinVar:

ClinVar aggregate classification (germline): Pathogenic. Review status: criteria provided, multiple submitters, no conflicts (2 of 4 stars). 3 submissions from 3 submitters: Pathogenic (2). 1 of the submissions does not count toward it. Last evaluated 2019-12-31.

Conditions:
X-linked Alport syndrome (ATS1). Also called: NEPHROPATHY AND DEAFNESS, X-LINKED; COL4A5-Related Nephropathy. Identifiers: Orphanet 63, Orphanet 88917, MedGen C4746986, MONDO:0010520, OMIM 301050.

Submissions (3):

Athena Diagnostics
Classification: Pathogenic. Last evaluated: 2019-12-31. Review status: criteria provided, single submitter. Criteria: Athena Diagnostics Criteria. Collection method: clinical testing. Allele origin: unknown.
Comment: The variant disrupts a glycine residue in the canonical Gly-X-Y repeats of the triple helix domain, which are required for stability and structure of this protein. Therefore it is expected to severely affect the function of the protein. Found in at least one patient with expected phenotype for this gene, and not found in general population data.

Institute of Human Genetics Munich, TUM University Hospital
Classification: Pathogenic for X-linked Alport syndrome. Last evaluated: 2019-06-07. Review status: criteria provided, single submitter. Criteria: Classification criteria August 2017. Collection method: clinical testing. Allele origin: germline. Inheritance: X-linked inheritance. Affected: yes. Observed: 1 heterozygote.

Bioscientia Institut fuer Medizinische Diagnostik GmbH, Sonic Healthcare
Classification: Likely pathogenic for X-linked Alport syndrome. Last evaluated: 2019-09-26. Review status: no assertion criteria provided. Collection method: clinical testing. Allele origin: germline. Affected: yes. Not counted in ClinVar's aggregate classification.

NM_033380.3(COL4A5):c.3197G>A (p.Gly1066Asp)

Gene: COL4A5 (collagen type IV alpha 5 chain; plus strand). Cytogenetic location: Xq22.3.
Variant type: single nucleotide variant.
Coding change: c.3197G>A on transcript NM_033380.3 (MANE Select); coding-DNA position 3197, G replaced by A.
Protein change: p.Gly1066Asp; replaces glycine 1066 with aspartic acid.
Molecular consequence: missense variant.
Genome position (GRCh38, 1-based): chrX:108,626,300, G>A. VCF-style: chrX-108626300-G-A. GRCh37 (hg19) VCF-style: chrX-107869530-G-A.
Other names: c.3197G>A, p.Gly1066Asp (NM_000495.5); short protein forms G1066D.
Identifiers: ClinVar variation 807395 (VCV000807395.7), dbSNP rs104886221, ClinGen allele CA413855023.